The following is an entry in ClinVar:

ClinVar aggregate classification (germline): Uncertain significance. Review status: criteria provided, multiple submitters, no conflicts (2 of 4 stars). 2 submissions from 2 submitters: Uncertain significance (2). Last evaluated 2025-10-15.

Conditions:
Hereditary cancer-predisposing syndrome. Also called: Neoplastic Syndromes, Hereditary; Tumor predisposition; Hereditary Cancer Syndrome; Hereditary neoplastic syndrome. Identifiers: Orphanet 140162, MedGen C0027672, MeSH D009386, MONDO:0015356.
Ataxia-telangiectasia syndrome (AT). Also called: Ataxia telangiectasia (A-T); ATAXIA-TELANGIECTASIA, COMPLEMENTATION GROUP A; ATAXIA-TELANGIECTASIA, FRESNO VARIANT; Ataxia-telangiectasia; Ataxia-telangiectasia, complementation group E; LOUIS-BAR SYNDROME. Identifiers: Orphanet 100, MedGen C0004135, MONDO:0008840, OMIM 208900.

Submissions (2):

Ambry Genetics
Classification: Uncertain significance for Hereditary cancer-predisposing syndrome. Last evaluated: 2025-10-15. Review status: criteria provided, single submitter. Criteria: Ambry Variant Classification Scheme 2023. Collection method: clinical testing. Allele origin: germline.
Comment: The p.A2562G variant (also known as c.7685C>G), located in coding exon 51 of the ATM gene, results from a C to G substitution at nucleotide position 7685. The alanine at codon 2562 is replaced by glycine, an amino acid with similar properties. In an assay testing ATM function, this variant showed a functionally normal result (Lee KS et al. Cell, 2025 Sep;188:5081-5099.e27). This amino acid position is highly conserved in available vertebrate species. In addition, the in silico prediction for this alteration is inconclusive. Based on the available evidence, the clinical significance of this variant remains unclear.

Labcorp Genetics (formerly Invitae), Labcorp
Classification: Uncertain significance for Ataxia-telangiectasia syndrome. Last evaluated: 2023-06-05. Review status: criteria provided, single submitter. Criteria: Invitae Variant Classification Sherloc (09022015). Collection method: clinical testing. Allele origin: germline.
Comment: This variant has not been reported in the literature in individuals affected with ATM-related conditions. In summary, the available evidence is currently insufficient to determine the role of this variant in disease. Therefore, it has been classified as a Variant of Uncertain Significance. An algorithm developed to predict the effect of missense changes on protein structure and function (PolyPhen-2) suggests that this variant is likely to be disruptive. ClinVar contains an entry for this variant (Variation ID: 1063103). This variant is not present in population databases (gnomAD no frequency). This sequence change replaces alanine, which is neutral and non-polar, with glycine, which is neutral and non-polar, at codon 2562 of the ATM protein (p.Ala2562Gly).

Literature cited by the submitters: PubMed 40580951 (cited by Ambry Genetics).

NM_000051.4(ATM):c.7685C>G (p.Ala2562Gly)

Genes: ATM (ATM serine/threonine kinase; plus strand), C11orf65 (chromosome 11 open reading frame 65; minus strand). Cytogenetic location: 11q22.3.
Variant type: single nucleotide variant.
Coding change: c.7685C>G on transcript NM_000051.4 (MANE Select); coding-DNA position 7685, C replaced by G.
Protein change: p.Ala2562Gly; replaces alanine 2562 with glycine.
Molecular consequence: missense variant. On other transcripts: intron variant (2).
Genome position (GRCh38, 1-based): chr11:108,331,934, C>G. VCF-style: chr11-108331934-C-G. GRCh37 (hg19) VCF-style: chr11-108202661-C-G.
Other names: c.7685C>G, p.Ala2562Gly (NM_001351834.2); c.641-22863G>C (NM_001330368.2); c.*38+3286G>C (NM_001351110.2); short protein forms A2562G.
Identifiers: ClinVar variation 1063103 (VCV001063103.9), dbSNP rs1322308382, ClinGen allele CA382561005.
Genomic context (GRCh38, chr11:108,331,934, plus strand): 5'-TACAGCTAATCTCTAGAATTTCAATGGATCACCCCCATCACACTTTGTTTATTATACTGG[C>G]CTTAGCAAATGCAAACAGAGATGAATTTCTGACTAAACCAGAGGTAGCCAGAAGAAGCAG-3'
Protein context (NP_000042.3, residues 2552-2572): HPHHTLFIIL[Ala2562Gly]LANANRDEFL